The following is an entry in ClinVar:

ClinVar aggregate classification (germline): Likely benign (0 of 4 stars; one submission).

Conditions:
MBD1-related disorder. Also called: MBD1-related condition.

Allele frequency attached by ClinVar (database versions not stated): 1000 Genomes Project 30x 0.00016; TOPMed 0.00020; ExAC 0.00021; gnomAD exomes 0.00024; ESP Exome Variant Server 0.00031.

Submission:

PreventionGenetics, part of Exact Sciences
Classification: Likely benign for MBD1-related condition. Last evaluated: 2019-07-10. Review status: no assertion criteria provided. Collection method: clinical testing. Allele origin: germline.
Comment: This variant is classified as likely benign based on ACMG/AMP sequence variant interpretation guidelines (Richards et al. 2015 PMID: 25741868, with internal and published modifications).

NM_015846.4(MBD1):c.*33-4G>C

Gene: MBD1 (methyl-CpG binding domain protein 1; minus strand). Cytogenetic location: 18q21.1.
Variant type: single nucleotide variant.
Coding change: c.*33-4G>C on transcript NM_015846.4 (MANE Select); 4 bases into the intron before 33 bases downstream of the stop codon, G replaced by C.
Molecular consequence: intron variant. On other transcripts: 3 prime UTR variant (18).
Genome position (GRCh38, 1-based): chr18:50,269,822, C>G on the plus strand (G>C on the coding strand, the complement: MBD1 is on the minus strand). VCF-style: chr18-50269822-C-G. GRCh37 (hg19) VCF-style: chr18-47796192-C-G.
Other names: c.*1679G>C (NM_001204137.2, NM_001204138.2, NM_001204140.2); c.*189G>C (NM_001204142.2); c.*126G>C (NM_001204151.3, NM_001399898.1, NM_001399899.1 and 3 more transcripts); c.*81G>C (NM_001399906.1, NM_001399921.1, NM_001399926.1 and 5 more transcripts); c.1395-2159G>C (NM_001399961.1); c.1629-2159G>C (NM_001204141.2); c.1587-2159G>C (NM_001399938.1); c.1704-2159G>C (NM_001399909.1); and 71 more.
Identifiers: ClinVar variation 3049833 (VCV003049833.2), dbSNP rs143072804, ClinGen allele CA8962621.